The following is an entry in ClinVar:

ClinVar aggregate classification (germline): Uncertain significance (1 of 4 stars; one submission).

Submission:

Labcorp Genetics (formerly Invitae), Labcorp
Classification: Uncertain significance. Last evaluated: 2025-06-25. Review status: criteria provided, single submitter. Criteria: Invitae Variant Classification Sherloc (09022015). Collection method: clinical testing. Allele origin: germline.
Comment: This sequence change replaces glycine, which is neutral and non-polar, with cysteine, which is neutral and slightly polar, at codon 509 of the BCL11B protein (p.Gly509Cys). This variant is not present in population databases (gnomAD no frequency). This variant has not been reported in the literature in individuals affected with BCL11B-related conditions. Invitae Evidence Modeling of protein sequence and biophysical properties (such as structural, functional, and spatial information, amino acid conservation, physicochemical variation, residue mobility, and thermodynamic stability) indicates that this missense variant is not expected to disrupt BCL11B protein function with a negative predictive value of 95%. In summary, the available evidence is currently insufficient to determine the role of this variant in disease. Therefore, it has been classified as a Variant of Uncertain Significance.

NM_138576.4(BCL11B):c.1525G>T (p.Gly509Cys)

Gene: BCL11B (BCL11 transcription factor B; minus strand). Cytogenetic location: 14q32.2.
Variant type: single nucleotide variant.
Coding change: c.1525G>T on transcript NM_138576.4 (MANE Select); coding-DNA position 1525, G replaced by T.
Protein change: p.Gly509Cys; replaces glycine 509 with cysteine.
Molecular consequence: missense variant.
Genome position (GRCh38, 1-based): chr14:99,175,311, C>A on the plus strand (G>T on the coding strand, the complement: BCL11B is on the minus strand). VCF-style: chr14-99175311-C-A. GRCh37 (hg19) VCF-style: chr14-99641648-C-A.
Other names: c.1522G>T, p.Gly508Cys (NM_001282237.2); c.1309G>T, p.Gly437Cys (NM_001282238.2); c.1312G>T, p.Gly438Cys (NM_022898.3); short protein forms G508C, G437C, G438C, G509C.
Identifiers: ClinVar variation 4746847 (VCV004746847.1).
Genomic context (GRCh38, chr14:99,175,311, plus strand): 5'-CGTGGCCCAGCGACGGGTCGCTCTCGTGGTGGCGGAAGTCACCGTCGGCCGCCTTGAGGC[C>A]CTCGCCCGCCAGCTCGCTGGTGCCGGGCTCGGGGGAGCTGGCGGCCGAGAGCCCGTCGTC-3'
Protein context (NP_612808.1, residues 499-519): EPGTSELAGE[Gly509Cys]LKAADGDFRH